The following is an entry in ClinVar:

ClinVar aggregate classification (germline): Uncertain significance (1 of 4 stars; one submission).

gnomAD v4.1: 19 of 1,613,174 alleles (0.0012%); highest among the groups gnomAD compares: South Asian, 0.0022%; no homozygotes.

Submission:

Labcorp Genetics (formerly Invitae), Labcorp
Classification: Uncertain significance. Last evaluated: 2024-10-30. Review status: criteria provided, single submitter. Criteria: Invitae Variant Classification Sherloc (09022015). Collection method: clinical testing. Allele origin: germline.
Comment: This sequence change replaces proline, which is neutral and non-polar, with leucine, which is neutral and non-polar, at codon 692 of the ROBO2 protein (p.Pro692Leu). This variant is present in population databases (rs747073426, gnomAD 0.003%). This variant has not been reported in the literature in individuals affected with ROBO2-related conditions. Invitae Evidence Modeling of protein sequence and biophysical properties (such as structural, functional, and spatial information, amino acid conservation, physicochemical variation, residue mobility, and thermodynamic stability) indicates that this missense variant is not expected to disrupt ROBO2 protein function with a negative predictive value of 95%. In summary, the available evidence is currently insufficient to determine the role of this variant in disease. Therefore, it has been classified as a Variant of Uncertain Significance.

NM_001395656.1(ROBO2):c.2087C>T (p.Pro696Leu)

Genes: ROBO2 (roundabout guidance receptor 2; plus strand), LOC126806727 (BRD4-independent group 4 enhancer GRCh37_chr3:77623115-77624314; plus strand). Cytogenetic location: 3p12.3.
Variant type: single nucleotide variant.
Coding change: c.2087C>T on transcript NM_001395656.1 (MANE Select); coding-DNA position 2087, C replaced by T.
Protein change: p.Pro696Leu; replaces proline 696 with leucine.
Molecular consequence: missense variant.
Genome position (GRCh38, 1-based): chr3:77,574,602, C>T. VCF-style: chr3-77574602-C-T. GRCh37 (hg19) VCF-style: chr3-77623753-C-T.
Other names: c.2123C>T, p.Pro708Leu (NM_001128929.3); c.2087C>T, p.Pro696Leu (NM_001290039.2, NM_001290040.2, NM_001378202.1); c.296C>T, p.Pro99Leu (NM_001290065.2); c.2135C>T, p.Pro712Leu (NM_001378190.1, NM_001378191.1, NM_001378195.1 and 4 more transcripts); c.2156C>T, p.Pro719Leu (NM_001378192.1, NM_001378194.1, NM_001394213.1 and 2 more transcripts); c.2075C>T, p.Pro692Leu (NM_001378193.1, NM_002942.5, NM_001378197.1); c.2144C>T, p.Pro715Leu (NM_001394214.1, NM_001395657.1, NM_001394212.1); short protein forms P692L, P696L, P708L, P712L, P715L, P719L, P99L.
Identifiers: ClinVar variation 3603691 (VCV003603691.2).
Genomic context (GRCh38, chr3:77,574,602, plus strand): 5'-ATCGTCAGACTTCAGGTCTGCAGGCGACATCTTCGTGGCAGAATTTAGATGCCAAAGTCC[C>T]GACTGAACGAAGTGCTGTCTTAGTCAACCTGAAAAAGGGGGTGACTTATGAAATTAAAGT-3'
Protein context (NP_001382585.1, residues 686-706): SSWQNLDAKV[Pro696Leu]TERSAVLVNL